The following is an entry in ClinVar:

ClinVar aggregate classification (germline): Uncertain significance (1 of 4 stars; one submission).

Conditions:
Cardiovascular phenotype. Identifiers: MedGen CN230736.

Submission:

Ambry Genetics
Classification: Uncertain significance for Cardiovascular phenotype. Last evaluated: 2026-09-11. Review status: criteria provided, single submitter. Criteria: Ambry Variant Classification Scheme 2023. Collection method: clinical testing. Allele origin: germline.
Comment: The p.T4137I variant (also known as c.12410C>T), located in coding exon 29 of the APOB gene, results from a C to T substitution at nucleotide position 12410. The threonine at codon 4137 is replaced by isoleucine, an amino acid with similar properties. This amino acid position is conserved. In addition, this alteration is predicted to be tolerated by in silico analysis. Based on the available evidence, the clinical significance of this variant remains unclear.

NM_000384.3(APOB):c.12410C>T (p.Thr4137Ile)

Gene: APOB (apolipoprotein B; minus strand). Cytogenetic location: 2p24.1.
Variant type: single nucleotide variant.
Coding change: c.12410C>T on transcript NM_000384.3 (MANE Select); coding-DNA position 12410, C replaced by T.
Protein change: p.Thr4137Ile; replaces threonine 4137 with isoleucine.
Molecular consequence: missense variant.
Genome position (GRCh38, 1-based): chr2:21,003,012, G>A on the plus strand (C>T on the coding strand, the complement: APOB is on the minus strand). VCF-style: chr2-21003012-G-A. GRCh37 (hg19) VCF-style: chr2-21225884-G-A.
Other names: short protein forms T4137I.
Identifiers: ClinVar variation 3416887 (VCV003416887.2).